The following is an entry in ClinVar:

NM_001042492.3(NF1):c.2344dup (p.Ala782fs)

Gene: NF1 (neurofibromin 1; plus strand). Cytogenetic location: 17q11.2.
Variant type: Duplication.
Coding change: c.2344dup on transcript NM_001042492.3 (MANE Select); coding-DNA position 2344, one base duplicated (G; older notation c.2344dupG).
Protein change: p.Ala782fs; shifts the reading frame from alanine 782.
Molecular consequence: frameshift variant.
Genome position (GRCh38, 1-based): chr17:31,227,541, G duplicated. VCF-style (leftmost placement, unchanged base first): chr17-31227540-T-TG. GRCh37 (hg19) VCF-style: chr17-29554558-T-TG.
Other names: c.2344dup, p.Ala782Glyfs (NM_000267.4); short protein forms A782fs.
Identifiers: ClinVar variation 1687392 (VCV001687392.1), dbSNP rs2151427470, ClinGen allele CA2573153288.

ClinVar aggregate classification (germline): Likely pathogenic (1 of 4 stars; one submission).

Conditions:
Neurofibromatosis, type 1 (NF1). Also called: Neurofibromatosis, type I; NEUROFIBROMATOSIS, TYPE I, SOMATIC; VON RECKLINGHAUSEN DISEASE; Peripheral type neurofibromatosis. Identifiers: Orphanet 636, MedGen C0027831, MONDO:0018975, OMIM 162200. Disease mechanism: loss of function.

Submission:

3billion
Classification: Likely pathogenic for Neurofibromatosis, type 1. Last evaluated: 2022-05-22. Review status: criteria provided, single submitter. Criteria: ACMG Guidelines, 2015. Collection method: clinical testing. Allele origin: germline. Affected: yes. Observed: 1 heterozygote.
Comment: The variant is not observed in the gnomAD v2.1.1 dataset. Frameshift: predicted to result in a loss or disruption of normal protein function through nonsense-mediated decay (NMD) or protein truncation. Multiple pathogenic variants are reported downstream of the variant. Therefore, this variant is classified as likely pathogenic according to the recommendation of ACMG/AMP guideline.